The following is an entry in ClinVar:

ClinVar aggregate classification (germline): Likely benign. Review status: criteria provided, multiple submitters, no conflicts (2 of 4 stars). 3 submissions from 3 submitters: Likely benign (3). Last evaluated 2026-05-01.

Conditions:
Kabuki syndrome 2 (KABUK2). Also called: KDM6A-Related Kabuki Syndrome. Identifiers: Orphanet 2322, MedGen C3275495, MONDO:0010465, OMIM 300867.

Allele frequency attached by ClinVar (database versions not stated): gnomAD exomes 0.00002 and 0.00004; TOPMed 0.00003; gnomAD 0.00005; ExAC 0.00006.
gnomAD v4.1: 44 of 1,201,175 alleles (0.0037%); highest among the groups gnomAD compares: Middle Eastern, 0.046%; no homozygotes.

Submissions (3):

CeGaT Center for Human Genetics Tuebingen
Classification: Likely benign. Last evaluated: 2026-05-01. Review status: criteria provided, single submitter. Criteria: CeGaT Center For Human Genetics Tuebingen Variant Classification Criteria Version 2. Collection method: clinical testing. Allele origin: germline. Affected: yes. Observed: 1 variant allele.
Comment: KDM6A: BP4, BS2

Labcorp Genetics (formerly Invitae), Labcorp
Classification: Likely benign for Kabuki syndrome 2. Last evaluated: 2026-02-01. Review status: criteria provided, single submitter. Criteria: Invitae Variant Classification Sherloc (09022015). Collection method: clinical testing. Allele origin: germline.

Blueprint Genetics
Classification: Likely benign. Last evaluated: 2024-07-05. Review status: criteria provided, single submitter. Criteria: ACMG Guidelines, 2015. Collection method: clinical testing. Allele origin: germline.

NM_001291415.2(KDM6A):c.2049G>A (p.Pro683=)

Gene: KDM6A (lysine demethylase 6A; plus strand). Cytogenetic location: Xp11.3.
Variant type: single nucleotide variant.
Coding change: c.2049G>A on transcript NM_001291415.2 (MANE Select); coding-DNA position 2049, G replaced by A.
Protein change: p.Pro683=; no amino-acid change (proline 683 retained).
Molecular consequence: synonymous variant. On other transcripts: non-coding transcript variant (1).
Genome position (GRCh38, 1-based): chrX:45,063,787, G>A. VCF-style: chrX-45063787-G-A. GRCh37 (hg19) VCF-style: chrX-44923032-G-A.
Other names: c.1914G>A, p.Pro638= (NM_001291416.2); c.1758G>A, p.Pro586= (NM_001291417.2); c.1656G>A, p.Pro552= (NM_001291418.2); c.1005G>A, p.Pro335= (NM_001291421.2); c.1893G>A, p.Pro631= (NM_021140.4).
Identifiers: ClinVar variation 1632395 (VCV001632395.11), dbSNP rs748403617, ClinGen allele CA10392454.